The following is an entry in ClinVar:

NM_172351.3(CD46):c.70A>G (p.Met24Val)

Genes: CD46 (CD46 molecule; plus strand), LOC129932405 (ATAC-STARR-seq lymphoblastoid active region 2449; plus strand). Cytogenetic location: 1q32.2.
Variant type: single nucleotide variant.
Coding change: c.70A>G on transcript NM_172351.3 (MANE Select); coding-DNA position 70, A replaced by G.
Protein change: p.Met24Val; replaces methionine 24 with valine.
Molecular consequence: missense variant.
Genome position (GRCh38, 1-based): chr1:207,752,282, A>G. VCF-style: chr1-207752282-A-G. GRCh37 (hg19) VCF-style: chr1-207925627-A-G.
Other names: c.70A>G, p.Met24Val (NM_002389.4, NM_153826.4, NM_172350.3 and 8 more transcripts); short protein forms M24V.
Identifiers: ClinVar variation 988105 (VCV000988105.8), dbSNP rs750342865, ClinGen allele CA1371518.

ClinVar aggregate classification (germline): Conflicting classifications of pathogenicity. Review status: criteria provided, conflicting classifications (1 of 4 stars). 3 submissions from 3 submitters: Uncertain significance (1); Likely benign (1). 1 of the submissions does not count toward it. Last evaluated 2025-10-20.

Conditions:
Atypical hemolytic-uremic syndrome. Identifiers: Orphanet 2134, MedGen C2931788, MONDO:0016244.

Allele frequency attached by ClinVar (database versions not stated): gnomAD 0.00003 and 0.00004; TOPMed 0.00003.
gnomAD v4.1: 133 of 1,613,888 alleles (0.0082%); highest among the groups gnomAD compares: Non-Finnish European, 0.011%; no homozygotes.

Submissions (3):

Labcorp Genetics (formerly Invitae), Labcorp
Classification: Uncertain significance. Last evaluated: 2025-10-20. Review status: criteria provided, single submitter. Criteria: Invitae Variant Classification Sherloc (09022015). Collection method: clinical testing. Allele origin: germline.
Comment: This sequence change replaces methionine, which is neutral and non-polar, with valine, which is neutral and non-polar, at codon 24 of the CD46 protein (p.Met24Val). This variant is present in population databases (rs750342865, gnomAD 0.007%). This variant has not been reported in the literature in individuals affected with CD46-related conditions. ClinVar contains an entry for this variant (Variation ID: 988105). An algorithm developed to predict the effect of missense changes on protein structure and function outputs the following: PolyPhen-2: "Benign". The valine amino acid residue is found in multiple mammalian species, which suggests that this missense change does not adversely affect protein function. In summary, the available evidence is currently insufficient to determine the role of this variant in disease. Therefore, it has been classified as a Variant of Uncertain Significance.

Ambry Genetics
Classification: Likely benign. Last evaluated: 2025-04-13. Review status: criteria provided, single submitter. Criteria: Ambry Variant Classification Scheme 2023. Collection method: clinical testing. Allele origin: germline.

Sydney Genome Diagnostics, Children's Hospital Westmead
Classification: Uncertain significance for Atypical hemolytic-uremic syndrome. Last evaluated: 2018-03-06. Review status: no assertion criteria provided. Collection method: clinical testing. Allele origin: unknown. Affected: yes. Observed: 1 variant allele, 1 heterozygote. Not counted in ClinVar's aggregate classification.
Comment: To our knowledge, this variant has not been reported as being associated with disease in the literature. However, this variant (dbSNP: rs750342865) has been previously reported in the Exome Aggregation Consortium (ExAC) database with a very low allele frequency of 0.0025% (3 out of 121,328 alleles). In silico analysis of pathogenicity (through Alamut Visual v2.8.1) using SIFT, Mutation Taster and PolyPhen2 all predict that this variant is likely to be benign. This variant is considered to be a variant of uncertain clinical significance (VOUS) according to the ACMG guidelines.